The following is an entry in ClinVar:

ClinVar aggregate classification (germline): Conflicting classifications of pathogenicity. Review status: criteria provided, conflicting classifications (1 of 4 stars). 4 submissions from 4 submitters: Uncertain significance (2); Likely benign (2). Last evaluated 2025-08-25.

Conditions:
Inborn genetic diseases. Identifiers: MedGen C0950123, MeSH D030342.

Allele frequency attached by ClinVar (database versions not stated): gnomAD exomes 0.00010 and 0.00021; ExAC 0.00030; gnomAD 0.00064 and 0.00069; 1000 Genomes Project 30x 0.00078; 1000 Genomes Project 0.00080; TOPMed 0.00089; ESP Exome Variant Server 0.00092.
gnomAD v4.1: 258 of 1,614,144 alleles (0.016%); highest among the groups gnomAD compares: African/African-American, 0.2%; 1 homozygote.

Submissions (4):

Labcorp Genetics (formerly Invitae), Labcorp
Classification: Likely benign. Last evaluated: 2025-08-25. Review status: criteria provided, single submitter. Criteria: Invitae Variant Classification Sherloc (09022015). Collection method: clinical testing. Allele origin: germline.

Ambry Genetics
Classification: Likely benign for Inborn genetic diseases. Last evaluated: 2023-07-05. Review status: criteria provided, single submitter. Criteria: Ambry Variant Classification Scheme 2023. Collection method: clinical testing. Allele origin: germline.

GeneDx
Classification: Uncertain significance. Last evaluated: 2023-05-17. Review status: criteria provided, single submitter. Criteria: GeneDx Variant Classification Process June 2021. Collection method: clinical testing. Allele origin: germline. Affected: yes.
Comment: In silico analysis supports that this missense variant has a deleterious effect on protein structure/function; Has not been previously published as pathogenic or benign to our knowledge; This variant is associated with the following publications: (PMID: 28719003)

Genetic Services Laboratory, University of Chicago
Classification: Uncertain significance. Last evaluated: 2017-11-13. Review status: criteria provided, single submitter. Criteria: ACMG Guidelines, 2015. Collection method: clinical testing. Allele origin: germline. Affected: no.

NM_025265.4(TSEN2):c.376C>T (p.Arg126Cys)

Gene: TSEN2 (tRNA splicing endonuclease subunit 2; plus strand). Cytogenetic location: 3p25.2.
Variant type: single nucleotide variant.
Coding change: c.376C>T on transcript NM_025265.4 (MANE Select); coding-DNA position 376, C replaced by T.
Protein change: p.Arg126Cys; replaces arginine 126 with cysteine.
Molecular consequence: missense variant. On other transcripts: non-coding transcript variant (1).
Genome position (GRCh38, 1-based): chr3:12,503,329, C>T. VCF-style: chr3-12503329-C-T. GRCh37 (hg19) VCF-style: chr3-12544828-C-T.
Other names: c.376C>T, p.Arg126Cys (NM_001145392.2, NM_001145393.3, NM_001145394.2 and 3 more transcripts); short protein forms R126C.
Identifiers: ClinVar variation 744241 (VCV000744241.16), dbSNP rs151133206, ClinGen allele CA2258496.